The following is an entry in ClinVar:

ClinVar aggregate classification (germline): Pathogenic (1 of 4 stars; one submission).

Conditions:
Hereditary cancer-predisposing syndrome. Also called: Tumor predisposition; Hereditary Cancer Syndrome; Neoplastic Syndromes, Hereditary; Hereditary neoplastic syndrome. Identifiers: Orphanet 140162, MedGen C0027672, MeSH D009386, MONDO:0015356.

Submission:

Ambry Genetics
Classification: Pathogenic for Hereditary cancer-predisposing syndrome. Last evaluated: 2018-01-29. Review status: criteria provided, single submitter. Criteria: Ambry Variant Classification Scheme 2023. Collection method: clinical testing. Allele origin: germline.
Comment: The c.2776_2780delACCAT pathogenic mutation, located in coding exon 10 of the BRCA2 gene, results from a deletion of 5 nucleotides at nucleotide positions 2776 to 2780, causing a translational frameshift with a predicted alternate stop codon (p.T926Gfs*8). This alteration is expected to result in loss of function by premature protein truncation or nonsense-mediated mRNA decay. As such, this alteration is interpreted as a disease-causing mutation.

NM_000059.4(BRCA2):c.2776_2780del (p.Thr926fs)

Gene: BRCA2 (BRCA2 DNA repair associated; plus strand). Cytogenetic location: 13q13.1.
Variant type: Deletion.
Coding change: c.2776_2780del on transcript NM_000059.4 (MANE Select); coding-DNA positions 2776 to 2780, 5 bases deleted (ACCAT; older notation c.2776_2780delACCAT).
Protein change: p.Thr926fs; shifts the reading frame from threonine 926.
Molecular consequence: frameshift variant.
Genome position (GRCh38, 1-based): chr13:32,337,131-32,337,135, ACCAT deleted; deleting any 5 consecutive bases within chr13:32,337,130-32,337,135 gives the same sequence; the c. name uses the placement nearest the transcript's 3' end. VCF-style (leftmost placement, unchanged base first): chr13-32337129-CTACCA-C. GRCh37 (hg19) VCF-style: chr13-32911266-CTACCA-C.
Other names: short protein forms T926fs.
Identifiers: ClinVar variation 821785 (VCV000821785.4), dbSNP rs1593897737, ClinGen allele CA915948441.